The following is an entry in ClinVar:

ClinVar aggregate classification (germline): Uncertain significance (1 of 4 stars; one submission).

Conditions:
Ornithine carbamoyltransferase deficiency (OTCD). Also called: Ornithine Carbamoyltransferase Deficiency Disease; ORNITHINE TRANSCARBAMYLASE DEFICIENCY; ORNITHINE TRANSCARBAMYLASE DEFICIENCY, HYPERAMMONEMIA DUE TO; OTC DEFICIENCY. Identifiers: Orphanet 664, MedGen C0268542, MONDO:0010703, OMIM 311250.

Allele frequency attached by ClinVar (database versions not stated): gnomAD exomes below 0.00001.
gnomAD v4.1: 1 of 1,199,289 alleles (0.000083%); highest among the groups gnomAD compares: Non-Finnish European, 0.00011%; no homozygotes.

Submission:

Labcorp Genetics (formerly Invitae), Labcorp
Classification: Uncertain significance for Ornithine carbamoyltransferase deficiency. Last evaluated: 2024-03-14. Review status: criteria provided, single submitter. Criteria: Invitae Variant Classification Sherloc (09022015). Collection method: clinical testing. Allele origin: germline.
Comment: This sequence change falls in intron 2 of the OTC gene. It does not directly change the encoded amino acid sequence of the OTC protein. It affects a nucleotide within the consensus splice site. This variant is not present in population databases (gnomAD no frequency). This variant has not been reported in the literature in individuals affected with OTC-related conditions. ClinVar contains an entry for this variant (Variation ID: 1968887). Variants that disrupt the consensus splice site are a relatively common cause of aberrant splicing (PMID: 17576681, 9536098). Algorithms developed to predict the effect of sequence changes on RNA splicing suggest that this variant is not likely to affect RNA splicing. In summary, the available evidence is currently insufficient to determine the role of this variant in disease. Therefore, it has been classified as a Variant of Uncertain Significance.

Literature cited by the submitters: PubMed 17576681; PubMed 9536098.

NM_000531.6(OTC):c.216+5G>A

Gene: OTC (ornithine transcarbamylase; plus strand). Cytogenetic location: Xp11.4.
Variant type: single nucleotide variant.
Coding change: c.216+5G>A on transcript NM_000531.6 (MANE Select); 5 bases into the intron after coding-DNA position 216, G replaced by A.
Molecular consequence: intron variant.
Genome position (GRCh38, 1-based): chrX:38,367,434, G>A. VCF-style: chrX-38367434-G-A. GRCh37 (hg19) VCF-style: chrX-38226687-G-A.
Identifiers: ClinVar variation 1968887 (VCV001968887.5), dbSNP rs2519950798, ClinGen allele CA2580100815.